The following is an entry in ClinVar:

ClinVar aggregate classification (germline): Pathogenic (1 of 4 stars; one submission).

Allele frequency attached by ClinVar (database versions not stated): gnomAD exomes below 0.00001; ExAC 0.00002.

Submission:

Labcorp Genetics (formerly Invitae), Labcorp
Classification: Pathogenic. Last evaluated: 2023-12-25. Review status: criteria provided, single submitter. Criteria: Invitae Variant Classification Sherloc (09022015). Collection method: clinical testing. Allele origin: germline.
Comment: This sequence change creates a premature translational stop signal (p.Gln411*) in the ITGB4 gene. It is expected to result in an absent or disrupted protein product. Loss-of-function variants in ITGB4 are known to be pathogenic (PMID: 11328943, 16473856). The frequency data for this variant in the population databases is considered unreliable, as metrics indicate poor data quality at this position in the gnomAD database. This variant has not been reported in the literature in individuals affected with ITGB4-related conditions. For these reasons, this variant has been classified as Pathogenic.

Literature cited by the submitters: PubMed 11328943; PubMed 16473856.

NM_000213.5(ITGB4):c.1231C>T (p.Gln411Ter)

Gene: ITGB4 (integrin subunit beta 4; plus strand). Cytogenetic location: 17q25.1.
Variant type: single nucleotide variant.
Coding change: c.1231C>T on transcript NM_000213.5 (MANE Select); coding-DNA position 1231, C replaced by T.
Protein change: p.Gln411Ter; replaces glutamine 411 with a stop codon.
Molecular consequence: nonsense.
Genome position (GRCh38, 1-based): chr17:75,731,827, C>T. VCF-style: chr17-75731827-C-T. GRCh37 (hg19) VCF-style: chr17-73727908-C-T.
Other names: c.1231C>T, p.Gln411Ter (NM_001005619.2, NM_001005731.3, NM_001321123.2); short protein forms Q411*.
Identifiers: ClinVar variation 2737882 (VCV002737882.3), dbSNP rs770460354, ClinGen allele CA8768943.
Genomic context (GRCh38, chr17:75,731,827, plus strand): 5'-TCCTTGGGGCTGGGCCTGCCTTGGCTGACCACGGGGCCCCTGCAGGGTATATACCAGGTG[C>T]AGCTGCGGGCCCTTGAGCACGTGGATGGGACGCACGTGTGCCAGCTGCCGGAGGACCAGA-3'